The following is an entry in ClinVar:

NM_003896.4(ST3GAL5):c.1204G>C (p.Val402Leu)

Gene: ST3GAL5 (ST3 beta-galactoside alpha-2,3-sialyltransferase 5; minus strand). Cytogenetic location: 2p11.2.
Variant type: single nucleotide variant.
Coding change: c.1204G>C on transcript NM_003896.4 (MANE Select); coding-DNA position 1204, G replaced by C.
Protein change: p.Val402Leu; replaces valine 402 with leucine.
Molecular consequence: missense variant.
Genome position (GRCh38, 1-based): chr2:85,840,197, C>G on the plus strand (G>C on the coding strand, the complement: ST3GAL5 is on the minus strand). VCF-style: chr2-85840197-C-G. GRCh37 (hg19) VCF-style: chr2-86067320-C-G.
Other names: c.1135G>C, p.Val379Leu (NM_001042437.2); c.820G>C, p.Val274Leu (NM_001354223.2, NM_001354224.2, NM_001354226.2 and 3 more transcripts); c.1120G>C, p.Val374Leu (NM_001354227.2, NM_001354229.2, NM_001354238.1); c.481G>C, p.Val161Leu (NM_001354247.1); c.1045G>C, p.Val349Leu (NM_001363847.1); short protein forms V274L, V349L, V374L, V379L, V402L, V161L.
Identifiers: ClinVar variation 1992753 (VCV001992753.4), dbSNP rs1424004727, ClinGen allele CA347502597.
Genomic context (GRCh38, chr2:85,840,197, plus strand): 5'-TCTGTGTTCAAAATTCACGATCAATGCCTCCACTGAGATCTTTCACCACTCCCTCTTTGA[C>G]CAGCTTTAAGAGGAACTTGGTTTCCGTTGTCACATTATGCATGGTCTGAAAGTTCATAGC-3'
Protein context (NP_003887.3, residues 392-412): TTETKFLLKL[Val402Leu]KEGVVKDLSG

ClinVar aggregate classification (germline): Uncertain significance (1 of 4 stars; one submission).

Conditions:
GM3 synthase deficiency (SPDRS). Also called: SALT AND PEPPER DEVELOPMENTAL REGRESSION SYNDROME; SALT AND PEPPER MENTAL RETARDATION SYNDROME; AMISH INFANTILE EPILEPSY SYNDROME. Identifiers: Orphanet 171714, Orphanet 370933, MedGen C1836824, MONDO:0018274, OMIM 609056.

Submission:

Labcorp Genetics (formerly Invitae), Labcorp
Classification: Uncertain significance for GM3 synthase deficiency. Last evaluated: 2022-05-10. Review status: criteria provided, single submitter. Criteria: Invitae Variant Classification Sherloc (09022015). Collection method: clinical testing. Allele origin: germline.
Comment: Algorithms developed to predict the effect of missense changes on protein structure and function (SIFT, PolyPhen-2, Align-GVGD) all suggest that this variant is likely to be tolerated. In summary, the available evidence is currently insufficient to determine the role of this variant in disease. Therefore, it has been classified as a Variant of Uncertain Significance. This variant has not been reported in the literature in individuals affected with ST3GAL5-related conditions. This sequence change replaces valine, which is neutral and non-polar, with leucine, which is neutral and non-polar, at codon 402 of the ST3GAL5 protein (p.Val402Leu). This variant is not present in population databases (gnomAD no frequency).